The following is an entry in ClinVar:

NM_001127644.2(GABRA1):c.502A>T (p.Met168Leu)

Gene: GABRA1 (gamma-aminobutyric acid type A receptor subunit alpha1; plus strand). Cytogenetic location: 5q34.
Variant type: single nucleotide variant.
Coding change: c.502A>T on transcript NM_001127644.2 (MANE Select); coding-DNA position 502, A replaced by T.
Protein change: p.Met168Leu; replaces methionine 168 with leucine.
Molecular consequence: missense variant.
Genome position (GRCh38, 1-based): chr5:161,875,585, A>T. VCF-style: chr5-161875585-A-T. GRCh37 (hg19) VCF-style: chr5-161302591-A-T.
Other names: c.502A>T, p.Met168Leu (NM_000806.5, NM_001127643.2, NM_001127645.2 and 1 more transcripts); short protein forms M168L.
Identifiers: ClinVar variation 4855494 (VCV004855494.1).

ClinVar aggregate classification (germline): Uncertain significance (1 of 4 stars; one submission).

Conditions:
Epilepsy, idiopathic generalized, susceptibility to, 13. Also called: EPILEPSY, JUVENILE MYOCLONIC, SUSCEPTIBILITY TO, 5. Identifiers: Orphanet 307, Orphanet 64280, MedGen C4013473, MONDO:0012627, OMIM 611136.

Submission:

3billion
Classification: Uncertain significance for Epilepsy, idiopathic generalized, susceptibility to, 13. Last evaluated: 2025-08-06. Review status: criteria provided, single submitter. Criteria: ACMG Guidelines, 2015. Collection method: clinical testing. Allele origin: germline. Affected: yes.
Comment: The variant is not observed in the gnomAD v4.1.0 dataset. Predicted Consequence/Location: Missense variant. Missense changes are a common disease-causing mechanism. In silico tool predictions suggest damaging effect of the variant on gene or gene product [3Cnet: 0.99 (> 0.75, sensitivity 0.96 and precision 0.92)]. Different missense changes at the same codon have been reported as of uncertain significance (ClinVar ID: VCV003753871). Therefore, this variant is classified as VUS according to the recommendation of ACMG/AMP guideline.